The following is an entry in ClinVar:

ClinVar aggregate classification (germline): Uncertain significance (1 of 4 stars; one submission).

Conditions:
Baller-Gerold syndrome (BGS). Also called: CRANIOSYNOSTOSIS WITH RADIAL DEFECTS. Identifiers: Orphanet 1225, MedGen C0265308, MONDO:0009039, OMIM 218600.

Allele frequency attached by ClinVar (database versions not stated): gnomAD exomes below 0.00001 and 0.00006; TOPMed below 0.00001; ExAC 0.01020.
gnomAD v4.1: 2 of 1,607,816 alleles (0.00012%); highest among the groups gnomAD compares: South Asian, 0.0022%; no homozygotes.

Submission:

Labcorp Genetics (formerly Invitae), Labcorp
Classification: Uncertain significance for Baller-Gerold syndrome. Last evaluated: 2020-02-21. Review status: criteria provided, single submitter. Criteria: Invitae Variant Classification Sherloc (09022015). Collection method: clinical testing. Allele origin: germline.
Comment: In summary, the available evidence is currently insufficient to determine the role of this variant in disease. Therefore, it has been classified as a Variant of Uncertain Significance. Algorithms developed to predict the effect of missense changes on protein structure and function (SIFT, PolyPhen-2, Align-GVGD) all suggest that this variant is likely to be disruptive, but these predictions have not been confirmed by published functional studies and their clinical significance is uncertain. This variant has not been reported in the literature in individuals with RECQL4-related conditions. ClinVar contains an entry for this variant (Variation ID: 567851). The frequency data for this variant in the population databases is considered unreliable, as metrics indicate poor data quality at this position in the ExAC database. This sequence change replaces arginine with glutamine at codon 766 of the RECQL4 protein (p.Arg766Gln). The arginine residue is highly conserved and there is a small physicochemical difference between arginine and glutamine.

NM_004260.4(RECQL4):c.2299G>A (p.Val767Met)

Gene: RECQL4 (RecQ like helicase 4; minus strand). Cytogenetic location: 8q24.3.
Variant type: single nucleotide variant.
Coding change: c.2299G>A on transcript NM_004260.4 (MANE Select); coding-DNA position 2299, G replaced by A.
Protein change: p.Val767Met; replaces valine 767 with methionine.
Molecular consequence: missense variant.
Genome position (GRCh38, 1-based): chr8:144,513,382, C>T on the plus strand (G>A on the coding strand, the complement: RECQL4 is on the minus strand). VCF-style: chr8-144513382-C-T. GRCh37 (hg19) VCF-style: chr8-145738765-C-T.
Other names: short protein forms V767M.
Identifiers: ClinVar variation 529012 (VCV000529012.3), dbSNP rs775137905, ClinGen allele CA4948344.
Genomic context (GRCh38, chr8:144,513,382, plus strand): 5'-GCACAGCCCGCACATCTGGCCGGTCCAGCCCCATCCCAAAGGCCACCGTGGCCACCACCA[C>T]CCGCAACTGGCCCTGCATGAAGGCTCGCTGTACCCGCCGCCGTTCCCGGCTGCACATGCC-3'
Protein context (NP_004251.4, residues 757-777): QRAFMQGQLR[Val767Met]VVATVAFGMG